The following is an entry in ClinVar:

NM_001854.4(COL11A1):c.3575G>C (p.Gly1192Ala)

Gene: COL11A1 (collagen type XI alpha 1 chain; minus strand). Cytogenetic location: 1p21.1.
Variant type: single nucleotide variant.
Coding change: c.3575G>C on transcript NM_001854.4 (MANE Select); coding-DNA position 3575, G replaced by C.
Protein change: p.Gly1192Ala; replaces glycine 1192 with alanine.
Molecular consequence: missense variant. On other transcripts: non-coding transcript variant (1).
Genome position (GRCh38, 1-based): chr1:102,934,474, C>G on the plus strand (G>C on the coding strand, the complement: COL11A1 is on the minus strand). VCF-style: chr1-102934474-C-G. GRCh37 (hg19) VCF-style: chr1-103400030-C-G.
Other names: c.3458G>C, p.Gly1153Ala (NM_001190709.2); c.3611G>C, p.Gly1204Ala (NM_080629.3); c.3227G>C, p.Gly1076Ala (NM_080630.4); short protein forms G1076A, G1153A, G1192A, G1204A.
Identifiers: ClinVar variation 4818883 (VCV004818883.1).

ClinVar aggregate classification (germline): Uncertain significance (1 of 4 stars; one submission).

Conditions:
Stickler syndrome type 2 (STL2). Also called: STICKLER SYNDROME, TYPE II; STICKLER SYNDROME, BEADED VITREOUS TYPE; STICKLER SYNDROME, VITREOUS TYPE 2; COL11A1-Related Stickler Syndrome. Identifiers: Orphanet 828, Orphanet 90654, MedGen C1858084, MONDO:0011493, OMIM 604841.

Submission:

MVZ Medizinische Genetik Mainz
Classification: Uncertain significance for Stickler syndrome type 2. Last evaluated: 2026-03-06. Review status: criteria provided, single submitter. Criteria: UK Practice Guidelines For Variant Classification V4 01 2020. Collection method: clinical testing. Allele origin: germline. Inheritance: Autosomal dominant inheritance. Affected: yes. Observed: 1 variant allele.
Comment: ACMG Criteria: PM1,PM2_SUP_MOD,PP3